The following is an entry in ClinVar:

ClinVar aggregate classification (germline): Uncertain significance (1 of 4 stars; one submission).

Conditions:
KIDINS220-related disorder. Also called: KIDINS220-related condition.

Submission:

PreventionGenetics, part of Exact Sciences
Classification: Uncertain significance for KIDINS220-related condition. Last evaluated: 2025-02-21. Review status: criteria provided, single submitter. Criteria: ACMG Guidelines, 2015. Collection method: clinical testing. Allele origin: germline.
Comment: The KIDINS220 c.19C>A variant is predicted to result in the amino acid substitution p.Gln7Lys. To our knowledge, this variant has not been reported in the literature or in a large population database (gnomAD), indicating this variant is rare. At this time, the clinical significance of this variant is uncertain due to the absence of conclusive functional and genetic evidence.

NM_020738.4(KIDINS220):c.19C>A (p.Gln7Lys)

Gene: KIDINS220 (kinase D interacting substrate 220; minus strand). Cytogenetic location: 2p25.1.
Variant type: single nucleotide variant.
Coding change: c.19C>A on transcript NM_020738.4 (MANE Select); coding-DNA position 19, C replaced by A.
Protein change: p.Gln7Lys; replaces glutamine 7 with lysine.
Molecular consequence: missense variant. On other transcripts: 5 prime UTR variant (1), non-coding transcript variant (2).
Genome position (GRCh38, 1-based): chr2:8,827,075, G>T on the plus strand (C>A on the coding strand, the complement: KIDINS220 is on the minus strand). VCF-style: chr2-8827075-G-T. GRCh37 (hg19) VCF-style: chr2-8967205-G-T.
Other names: c.19C>A, p.Gln7Lys (NM_001348729.2, NM_001348731.2, NM_001348732.2 and 9 more transcripts); c.-279C>A (NM_001348736.2); short protein forms Q7K.
Identifiers: ClinVar variation 4978708 (VCV004978708.1).